The following is an entry in ClinVar:

ClinVar aggregate classification (germline): Pathogenic. Review status: criteria provided, multiple submitters, no conflicts (2 of 4 stars). 2 submissions from 2 submitters: Pathogenic (2). Last evaluated 2024-01-21.

Conditions:
Rhizomelic chondrodysplasia punctata type 2 (RCDP2). Also called: DIHYDROXYACETONEPHOSPHATE ACYLTRANSFERASE DEFICIENCY; PEROXISOMAL DIHYDROXYACETONEPHOSPHATE ACYLTRANSFERASE DEFICIENCY; Chondrodysplasia punctata, rhizomelic, due to dihydroxyacetonephosphate acyltransferase deficiency; glyceronephosphate O-acyltransferase (GNPAT) deficiency; DHAPAT DEFICIENCY; Glyceronephosphate O-acyltransferase deficiency. Identifiers: Orphanet 177, Orphanet 309796, MedGen C1857242, MONDO:0100273, OMIM 222765. Disease mechanism: loss of function.

Allele frequency attached by ClinVar (database versions not stated): ExAC 0.00002.

Submissions (2):

Baylor Genetics
Classification: Pathogenic for Rhizomelic chondrodysplasia punctata type 2. Last evaluated: 2024-01-21. Review status: criteria provided, single submitter. Criteria: ACMG Guidelines, 2015. Collection method: clinical testing. Allele origin: unknown.

Labcorp Genetics (formerly Invitae), Labcorp
Classification: Pathogenic. Last evaluated: 2023-12-30. Review status: criteria provided, single submitter. Criteria: Invitae Variant Classification Sherloc (09022015). Collection method: clinical testing. Allele origin: germline.
Comment: This sequence change creates a premature translational stop signal (p.Arg163*) in the GNPAT gene. It is expected to result in an absent or disrupted protein product. Loss-of-function variants in GNPAT are known to be pathogenic (PMID: 9536089, 21990100). This variant is present in population databases (rs781300183, gnomAD 0.003%). This premature translational stop signal has been observed in individual(s) with rhizomelic chondrodysplasia punctata (PMID: 33337545). Algorithms developed to predict the effect of sequence changes on RNA splicing suggest that this variant may disrupt the consensus splice site. For these reasons, this variant has been classified as Pathogenic.

Literature cited by the submitters: PubMed 9536089 (cited by Labcorp Genetics (formerly Invitae), Labcorp); PubMed 21990100 (cited by Labcorp Genetics (formerly Invitae), Labcorp); PubMed 33337545 (cited by Labcorp Genetics (formerly Invitae), Labcorp).

NM_014236.4(GNPAT):c.487C>T (p.Arg163Ter)

Gene: GNPAT (glyceronephosphate O-acyltransferase; plus strand). Cytogenetic location: 1q42.2.
Variant type: single nucleotide variant.
Coding change: c.487C>T on transcript NM_014236.4 (MANE Select); coding-DNA position 487, C replaced by T.
Protein change: p.Arg163Ter; replaces arginine 163 with a stop codon.
Molecular consequence: nonsense.
Genome position (GRCh38, 1-based): chr1:231,262,771, C>T. VCF-style: chr1-231262771-C-T. GRCh37 (hg19) VCF-style: chr1-231398517-C-T.
Other names: c.304C>T, p.Arg102Ter (NM_001316350.2); short protein forms R102*, R163*.
Identifiers: ClinVar variation 2675939 (VCV002675939.5), dbSNP rs781300183, ClinGen allele CA1451807.